The following is an entry in ClinVar:

NM_144670.6(A2ML1):c.2316G>C (p.Gln772His)

Gene: A2ML1 (alpha-2-macroglobulin like 1; plus strand). Cytogenetic location: 12p13.31.
Variant type: single nucleotide variant.
Coding change: c.2316G>C on transcript NM_144670.6 (MANE Select); coding-DNA position 2316, G replaced by C.
Protein change: p.Gln772His; replaces glutamine 772 with histidine.
Molecular consequence: missense variant.
Genome position (GRCh38, 1-based): chr12:8,851,865, G>C. VCF-style: chr12-8851865-G-C. GRCh37 (hg19) VCF-style: chr12-9004461-G-C.
Other names: c.843G>C, p.Gln281His (NM_001282424.3); short protein forms Q772H, Q281H.
Identifiers: ClinVar variation 1789494 (VCV001789494.2), dbSNP rs988553194, ClinGen allele CA232690918.

ClinVar aggregate classification (germline): Uncertain significance (1 of 4 stars; one submission).

Submission:

Ambry Genetics
Classification: Uncertain significance. Last evaluated: 2022-08-03. Review status: criteria provided, single submitter. Criteria: Ambry Variant Classification Scheme 2023. Collection method: clinical testing. Allele origin: germline.
Comment: The p.Q772H variant (also known as c.2316G>C), located in coding exon 19 of the A2ML1 gene, results from a G to C substitution at nucleotide position 2316. The glutamine at codon 772 is replaced by histidine, an amino acid with highly similar properties. This amino acid position is conserved. In addition, this alteration is predicted to be tolerated by in silico analysis. Since supporting evidence is limited at this time, the clinical significance of this alteration remains unclear.